The following is an entry in ClinVar:

NM_001042492.3(NF1):c.1722-3C>T

Gene: NF1 (neurofibromin 1; plus strand). Cytogenetic location: 17q11.2.
Variant type: single nucleotide variant.
Coding change: c.1722-3C>T on transcript NM_001042492.3 (MANE Select); 3 bases into the intron before coding-DNA position 1722, C replaced by T.
Molecular consequence: intron variant.
Genome position (GRCh38, 1-based): chr17:31,223,441, C>T. VCF-style: chr17-31223441-C-T. GRCh37 (hg19) VCF-style: chr17-29550459-C-T.
Other names: c.1722-3C>T (NM_000267.4).
Identifiers: ClinVar variation 1996562 (VCV001996562.4), dbSNP rs770211384, ClinGen allele CA8485848.

ClinVar aggregate classification (germline): Uncertain significance (1 of 4 stars; one submission).

Conditions:
Neurofibromatosis, type 1 (NF1). Also called: Neurofibromatosis, type I; Peripheral type neurofibromatosis; NEUROFIBROMATOSIS, TYPE I, SOMATIC; VON RECKLINGHAUSEN DISEASE. Identifiers: Orphanet 636, MedGen C0027831, MONDO:0018975, OMIM 162200. Disease mechanism: loss of function.

Allele frequency attached by ClinVar (database versions not stated): ExAC 0.00001.

Submission:

Labcorp Genetics (formerly Invitae), Labcorp
Classification: Uncertain significance for Neurofibromatosis, type 1. Last evaluated: 2022-05-19. Review status: criteria provided, single submitter. Criteria: Invitae Variant Classification Sherloc (09022015). Collection method: clinical testing. Allele origin: germline.
Comment: In summary, the available evidence is currently insufficient to determine the role of this variant in disease. Therefore, it has been classified as a Variant of Uncertain Significance. Variants that disrupt the consensus splice site are a relatively common cause of aberrant splicing (PMID: 17576681, 9536098). Algorithms developed to predict the effect of sequence changes on RNA splicing suggest that this variant may disrupt the consensus splice site. This variant has not been reported in the literature in individuals affected with NF1-related conditions. This variant is present in population databases (rs770211384, gnomAD 0.0009%). This sequence change falls in intron 15 of the NF1 gene. It does not directly change the encoded amino acid sequence of the NF1 protein. It affects a nucleotide within the consensus splice site.

Literature cited by the submitters: PubMed 17576681; PubMed 9536098.